The following is an entry in ClinVar:

ClinVar aggregate classification (germline): Benign. Review status: criteria provided, multiple submitters, no conflicts (2 of 4 stars). 2 submissions from 2 submitters: Benign (2). Last evaluated 2016-03-29.

Allele frequency attached by ClinVar (database versions not stated): gnomAD 0.32160 and 0.32750; ESP Exome Variant Server 0.32670; TOPMed 0.32874; 1000 Genomes Project 30x 0.41240; 1000 Genomes Project 0.41254.
gnomAD v4.1: 507,201 of 1,611,918 alleles (31%); highest among the groups gnomAD compares: East Asian, 67%; 84,416 homozygotes.

Submissions (2):

Laboratory for Molecular Medicine, Mass General Brigham Personalized Medicine
Classification: Benign. Last evaluated: 2016-03-29. Review status: criteria provided, single submitter. Criteria: LMM Criteria. Collection method: clinical testing. Allele origin: germline.
Comment: Variant identified in a genome or exome case(s) and assessed due to predicted null impact of the variant or pathogenic assertions in the literature or databases. Disclaimer: This variant has not undergone full assessment. The following are preliminary notes: Frequency

Breakthrough Genomics
Classification: Benign. Review status: criteria provided, single submitter. Criteria: ACMG Guidelines, 2015. Collection method: not provided. Allele origin: germline. Inheritance: Autosomal recessive inheritance. Affected: yes.

NM_005740.3(DNAL4):c.36T>C (p.Asp12=)

Gene: DNAL4 (dynein axonemal light chain 4; minus strand). Cytogenetic location: 22q13.1.
Variant type: single nucleotide variant.
Coding change: c.36T>C on transcript NM_005740.3 (MANE Select); coding-DNA position 36, T replaced by C.
Protein change: p.Asp12=; no amino-acid change (aspartic acid 12 retained).
Molecular consequence: synonymous variant.
Genome position (GRCh38, 1-based): chr22:38,782,696, A>G on the plus strand (T>C on the coding strand, the complement: DNAL4 is on the minus strand). VCF-style: chr22-38782696-A-G. GRCh37 (hg19) VCF-style: chr22-39178701-A-G.
Identifiers: ClinVar variation 402791 (VCV000402791.5), dbSNP rs760482, ClinGen allele CA10236279.